The following is an entry in ClinVar:

NM_006269.2(RP1):c.2156G>C (p.Ser719Thr)

Gene: RP1 (RP1 axonemal microtubule associated; plus strand). Cytogenetic location: 8q12.1.
Variant type: single nucleotide variant.
Coding change: c.2156G>C on transcript NM_006269.2 (MANE Select); coding-DNA position 2156, G replaced by C.
Protein change: p.Ser719Thr; replaces serine 719 with threonine.
Molecular consequence: missense variant. On other transcripts: intron variant (1).
Genome position (GRCh38, 1-based): chr8:54,626,038, G>C. VCF-style: chr8-54626038-G-C. GRCh37 (hg19) VCF-style: chr8-55538598-G-C.
Other names: c.787+3750G>C (NM_001375654.1); short protein forms S719T.
Identifiers: ClinVar variation 2797189 (VCV002797189.3), dbSNP rs759758597, ClinGen allele CA4751485.

ClinVar aggregate classification (germline): Uncertain significance (1 of 4 stars; one submission).

Allele frequency attached by ClinVar (database versions not stated): gnomAD exomes below 0.00001; ExAC 0.00001.
gnomAD v4.1: 2 of 1,613,824 alleles (0.00012%); highest among the groups gnomAD compares: Admixed American, 0.0033%; no homozygotes.

Submission:

Labcorp Genetics (formerly Invitae), Labcorp
Classification: Uncertain significance. Last evaluated: 2022-11-15. Review status: criteria provided, single submitter. Criteria: Invitae Variant Classification Sherloc (09022015). Collection method: clinical testing. Allele origin: germline.
Comment: In summary, the available evidence is currently insufficient to determine the role of this variant in disease. Therefore, it has been classified as a Variant of Uncertain Significance. Algorithms developed to predict the effect of missense changes on protein structure and function (SIFT, PolyPhen-2, Align-GVGD) all suggest that this variant is likely to be tolerated. This variant has not been reported in the literature in individuals affected with RP1-related conditions. This variant is present in population databases (rs759758597, gnomAD 0.006%). This sequence change replaces serine, which is neutral and polar, with threonine, which is neutral and polar, at codon 719 of the RP1 protein (p.Ser719Thr).